The following is an entry in ClinVar:

NM_000059.4(BRCA2):c.9878C>T (p.Ala3293Val)

Gene: BRCA2 (BRCA2 DNA repair associated; plus strand). Cytogenetic location: 13q13.1.
Variant type: single nucleotide variant.
Coding change: c.9878C>T on transcript NM_000059.4 (MANE Select); coding-DNA position 9878, C replaced by T.
Protein change: p.Ala3293Val; replaces alanine 3293 with valine.
Molecular consequence: missense variant.
Genome position (GRCh38, 1-based): chr13:32,398,391, C>T. VCF-style: chr13-32398391-C-T. GRCh37 (hg19) VCF-style: chr13-32972528-C-T.
Other names: short protein forms A3293V.
Identifiers: ClinVar variation 1354527 (VCV001354527.8), dbSNP rs2137664637, ClinGen allele CA387766720.

ClinVar aggregate classification (germline): Uncertain significance (1 of 4 stars; one submission).

Conditions:
Hereditary breast ovarian cancer syndrome. Also called: BRCA1- and BRCA2-Associated Hereditary Breast and Ovarian Cancer; Hereditary breast and ovarian cancer; Hereditary breast and ovarian cancer syndrome; Hereditary breast and ovarian cancer syndrome (HBOC); Breast and ovarian cancer; Hereditary breast and/or ovarian cancer syndrome. Identifiers: Orphanet 145, MedGen C0677776, MeSH D061325, MONDO:0003582. Disease mechanism: loss of function.

Submission:

Labcorp Genetics (formerly Invitae), Labcorp
Classification: Uncertain significance for Hereditary breast ovarian cancer syndrome. Last evaluated: 2025-11-18. Review status: criteria provided, single submitter. Criteria: Invitae Variant Classification Sherloc (09022015). Collection method: clinical testing. Allele origin: germline.
Comment: This sequence change replaces alanine, which is neutral and non-polar, with valine, which is neutral and non-polar, at codon 3293 of the BRCA2 protein (p.Ala3293Val). This variant is not present in population databases (gnomAD no frequency). This variant has not been reported in the literature in individuals affected with BRCA2-related conditions. ClinVar contains an entry for this variant (Variation ID: 1354527). Invitae Evidence Modeling of protein sequence and biophysical properties (such as structural, functional, and spatial information, amino acid conservation, physicochemical variation, residue mobility, and thermodynamic stability) indicates that this missense variant is not expected to disrupt BRCA2 protein function with a negative predictive value of 95%. In summary, the available evidence is currently insufficient to determine the role of this variant in disease. Therefore, it has been classified as a Variant of Uncertain Significance.